The following is an entry in ClinVar:

NM_197968.4(ZMYM2):c.289T>G (p.Ser97Ala)

Gene: ZMYM2 (zinc finger MYM-type containing 2; plus strand). Cytogenetic location: 13q12.11.
Variant type: single nucleotide variant.
Coding change: c.289T>G on transcript NM_197968.4 (MANE Select); coding-DNA position 289, T replaced by G.
Protein change: p.Ser97Ala; replaces serine 97 with alanine.
Molecular consequence: missense variant. On other transcripts: non-coding transcript variant (1).
Genome position (GRCh38, 1-based): chr13:19,993,361, T>G. VCF-style: chr13-19993361-T-G. GRCh37 (hg19) VCF-style: chr13-20567501-T-G.
Other names: c.289T>G, p.Ser97Ala (NM_001190964.4, NM_001190965.4, NM_001353157.2 and 6 more transcripts); c.355T>G, p.Ser119Ala (NM_001353161.3); c.289T>G (NM_003453.3); short protein forms S119A, S97A.
Identifiers: ClinVar variation 2581699 (VCV002581699.2), dbSNP rs749722536, ClinGen allele CA6903175.

ClinVar aggregate classification (germline): Uncertain significance. Review status: criteria provided, multiple submitters, no conflicts (2 of 4 stars). 2 submissions from 2 submitters: Uncertain significance (2). Last evaluated 2025-10-21.

Conditions:
Inborn genetic diseases. Identifiers: MedGen C0950123, MeSH D030342.

Allele frequency attached by ClinVar (database versions not stated): gnomAD exomes below 0.00001; gnomAD 0.00003; ExAC 0.00004; TOPMed below 0.00001.
gnomAD v4.1: 12 of 1,613,630 alleles (0.00074%); highest among the groups gnomAD compares: East Asian, 0.016%; no homozygotes.

Submissions (2):

Ambry Genetics
Classification: Uncertain significance for Inborn genetic diseases. Last evaluated: 2025-10-21. Review status: criteria provided, single submitter. Criteria: Ambry Variant Classification Scheme 2023. Collection method: clinical testing. Allele origin: germline.

Women's Health and Genetics/Laboratory Corporation of America, LabCorp
Classification: Uncertain significance. Last evaluated: 2023-08-14. Review status: criteria provided, single submitter. Criteria: LabCorp Variant Classification Summary - May 2015. Collection method: clinical testing. Allele origin: germline.
Comment: Variant summary: ZMYM2 c.289T>G (p.Ser97Ala) results in a conservative amino acid change in the encoded protein sequence. Five of five in-silico tools predict a benign effect of the variant on protein function. The variant allele was found at a frequency of 2e-05 in 248452 control chromosomes. The available data on variant occurrences in the general population are insufficient to allow any conclusion about variant significance. To our knowledge, no occurrence of c.289T>G in individuals affected with Neurodevelopmental-Craniofacial Syndrome With Variable Renal And Cardiac Abnormalities and no experimental evidence demonstrating its impact on protein function have been reported. No submitters have cited clinical-significance assessments for this variant to ClinVar after 2014. Based on the evidence outlined above, the variant was classified as uncertain significance.